The following is an entry in ClinVar:

ClinVar aggregate classification (germline): Pathogenic (1 of 4 stars; one submission).

Conditions:
Alpha-1-antitrypsin deficiency (A1ATD). Also called: Alpha1-Antitrypsin Deficiency; AAT deficiency; A1AT deficiency. Identifiers: Orphanet 60, MedGen C0221757, MONDO:0013282, OMIM 613490.

Submission:

Labcorp Genetics (formerly Invitae), Labcorp
Classification: Pathogenic for Alpha-1-antitrypsin deficiency. Last evaluated: 2023-05-16. Review status: criteria provided, single submitter. Criteria: Invitae Variant Classification Sherloc (09022015). Collection method: clinical testing. Allele origin: germline.
Comment: For these reasons, this variant has been classified as Pathogenic. This variant has not been reported in the literature in individuals affected with SERPINA1-related conditions. This variant is not present in population databases (gnomAD no frequency). This sequence change creates a premature translational stop signal (p.Gln115*) in the SERPINA1 gene. It is expected to result in an absent or disrupted protein product. Loss-of-function variants in SERPINA1 are known to be pathogenic (PMID: 25425243).

Literature cited by the submitters: PubMed 25425243.

NM_000295.5(SERPINA1):c.343C>T (p.Gln115Ter)

Gene: SERPINA1 (serpin family A member 1; minus strand). Cytogenetic location: 14q32.13.
Variant type: single nucleotide variant.
Coding change: c.343C>T on transcript NM_000295.5 (MANE Select); coding-DNA position 343, C replaced by T.
Protein change: p.Gln115Ter; replaces glutamine 115 with a stop codon.
Molecular consequence: nonsense.
Genome position (GRCh38, 1-based): chr14:94,382,895, G>A on the plus strand (C>T on the coding strand, the complement: SERPINA1 is on the minus strand). VCF-style: chr14-94382895-G-A. GRCh37 (hg19) VCF-style: chr14-94849232-G-A.
Other names: c.343C>T, p.Gln115Ter (NM_001002235.3, NM_001002236.3, NM_001127700.2 and 7 more transcripts); short protein forms Q115*.
Identifiers: ClinVar variation 2968675 (VCV002968675.3), dbSNP rs1897040319, ClinGen allele CA390850245.